The following is an entry in ClinVar:

NM_000388.4(CASR):c.720T>A (p.Ser240Arg)

Gene: CASR (calcium sensing receptor; plus strand). Cytogenetic location: 3q21.1.
Variant type: single nucleotide variant.
Coding change: c.720T>A on transcript NM_000388.4 (MANE Select); coding-DNA position 720, T replaced by A.
Protein change: p.Ser240Arg; replaces serine 240 with arginine.
Molecular consequence: missense variant.
Genome position (GRCh38, 1-based): chr3:122,261,755, T>A. VCF-style: chr3-122261755-T-A. GRCh37 (hg19) VCF-style: chr3-121980602-T-A.
Other names: p.Ser240Arg; c.720T>A, p.Ser240Arg (NM_001178065.2); short protein forms S240R.
Identifiers: ClinVar variation 3379487 (VCV003379487.1).
Genomic context (GRCh38, chr3:122,261,755, plus strand): 5'-GCCGGGGATTGAGAAATTCCGAGAGGAAGCTGAGGAAAGGGATATCTGCATCGACTTCAG[T>A]GAACTCATCTCCCAGTACTCTGATGAGGAAGAGATCCAGCATGTGGTAGAGGTGATTCAA-3'
Protein context (NP_000379.3, residues 230-250): AEERDICIDF[Ser240Arg]ELISQYSDEE

ClinVar aggregate classification (germline): Uncertain significance (1 of 4 stars; one submission).

Submission:

Mayo Clinic Laboratories, Mayo Clinic
Classification: Uncertain significance. Last evaluated: 2024-08-21. Review status: criteria provided, single submitter. Criteria: ACMG Guidelines, 2015. Collection method: clinical testing. Allele origin: germline. Observed: 1 variant allele.
Comment: PP2, PM2

Literature cited by the submitters: PubMed 22422767; PubMed 31433868; PubMed 32775520.